The following is an entry in ClinVar:

ClinVar aggregate classification (germline): Likely benign. Review status: criteria provided, multiple submitters, no conflicts (2 of 4 stars). 2 submissions from 2 submitters: Likely benign (2). Last evaluated 2024-03-06.

Allele frequency attached by ClinVar (database versions not stated): gnomAD exomes 0.00001; ExAC 0.00002; TOPMed 0.00003; gnomAD 0.00005; ESP Exome Variant Server 0.00009.

Submissions (2):

Labcorp Genetics (formerly Invitae), Labcorp
Classification: Likely benign. Last evaluated: 2024-03-06. Review status: criteria provided, single submitter. Criteria: Invitae Variant Classification Sherloc (09022015). Collection method: clinical testing. Allele origin: germline.

CeGaT Center for Human Genetics Tuebingen
Classification: Likely benign. Last evaluated: 2023-04-01. Review status: criteria provided, single submitter. Criteria: CeGaT Center For Human Genetics Tuebingen Variant Classification Criteria Version 2. Collection method: clinical testing. Allele origin: germline. Affected: yes. Observed: 1 variant allele.
Comment: COL4A5: BP4, BP7

NM_033380.3(COL4A5):c.348A>G (p.Pro116=)

Gene: COL4A5 (collagen type IV alpha 5 chain; plus strand). Cytogenetic location: Xq22.3.
Variant type: single nucleotide variant.
Coding change: c.348A>G on transcript NM_033380.3 (MANE Select); coding-DNA position 348, A replaced by G.
Protein change: p.Pro116=; no amino-acid change (proline 116 retained).
Molecular consequence: synonymous variant.
Genome position (GRCh38, 1-based): chrX:108,568,785, A>G. VCF-style: chrX-108568785-A-G. GRCh37 (hg19) VCF-style: chrX-107812015-A-G.
Other names: c.348A>G, p.Pro116= (NM_000495.5).
Identifiers: ClinVar variation 796176 (VCV000796176.32), dbSNP rs372839725, ClinGen allele CA10488437.